The following is an entry in ClinVar:

NM_000459.5(TEK):c.2690A>G (p.Tyr897Cys)

Gene: TEK (TEK receptor tyrosine kinase; plus strand). Cytogenetic location: 9p21.2.
Variant type: single nucleotide variant.
Coding change: c.2690A>G on transcript NM_000459.5 (MANE Select); coding-DNA position 2690, A replaced by G.
Protein change: p.Tyr897Cys; replaces tyrosine 897 with cysteine.
Molecular consequence: missense variant.
Genome position (GRCh38, 1-based): chr9:27,212,710, A>G. VCF-style: chr9-27212710-A-G. GRCh37 (hg19) VCF-style: chr9-27212708-A-G.
Other names: c.2561A>G, p.Tyr854Cys (NM_001290077.2); c.2246A>G, p.Tyr749Cys (NM_001290078.2); c.2687A>G, p.Tyr896Cys (NM_001375475.1); c.2558A>G, p.Tyr853Cys (NM_001375476.1); short protein forms Y897C, Y749C, Y854C, Y853C, Y896C.
Identifiers: ClinVar variation 30053 (VCV000030053.13), dbSNP rs80338909, ClinGen allele CA259741.

ClinVar aggregate classification (germline): Pathogenic. Review status: criteria provided, multiple submitters, no conflicts (2 of 4 stars). 5 submissions from 5 submitters: Pathogenic (3). 2 of the submissions do not count toward it. Last evaluated 2025-04-17.

Conditions:
Ventricular septal defect. Identifiers: MedGen C0018818, MONDO:0002070, HP:0001629.
Blue rubber bleb nevus. Also called: BEAN SYNDROME; Blue Rubber Bleb Nevus (BRBN) Syndrome. Identifiers: Orphanet 1059, MedGen C0346072, MONDO:0007203, OMIM 112200.
Multiple cutaneous and mucosal venous malformations (VMCM). Also called: TEK-Related Multiple Cutaneous and Mucosal Venous Malformations (VMCM). Identifiers: Orphanet 2451, MedGen C1838437, MONDO:0010842, OMIM 600195.
Abnormal cardiovascular system morphology. Also called: Abnormality of cardiovascular system morphology. Identifiers: MedGen C4049796, HP:0030680.

Submissions (5):

Clinical Genetics Laboratory, Skane University Hospital Lund
Classification: Pathogenic for Blue rubber bleb nevus; Ventricular septal defect. Last evaluated: 2025-04-17. Review status: criteria provided, single submitter. Criteria: ACMG Guidelines, 2015. Collection method: clinical testing. Allele origin: paternal, germline. Inheritance: Autosomal dominant inheritance. Affected: yes.
Comment: ACMG criteria applied: PS3_supporting, PS4, PM1, PM2, PP1, PP3, and PP4_strong

Clinical Genomics Laboratory, Washington University in St. Louis
Classification: Pathogenic for Multiple cutaneous and mucosal venous malformations. Last evaluated: 2023-10-12. Review status: criteria provided, single submitter. Criteria: ACMG Guidelines, 2015. Collection method: clinical testing. Allele origin: somatic. Affected: yes.
Comment: The TEK c.2690A>G (p.Tyr897Cys) variant was identified at an allelic fraction consistent with somatic origin. This variant has been reported in multiple individuals affected with vascular malformations (Ten Broek RW et al., PMID: 30677207; Soblet J et al., PMID: 23801934; Wouters V et al., PMID: 19888299; Limaye N et al., PMID: 19079259; Zhou M et al., PMID: 26115772; Ye C et al., PMID: 21962923) and Blue Rubber Bleb Nevus (BRBN) Syndrome (Soblet J et al., PMID: 27519652). This variant has been reported in the ClinVar database as a pathogenic variant (ClinVar ID: 30053). This variant is absent from the general population (gnomAD v.3.1.2), indicating that it is not a common variant. The TEK c.2690A>G (p.Tyr897Cys) variant resides within the cytoplasmic kinase domain of TEK, which is a critical functional domain (Shewchuk LM et al., PMID: 11080633). Functional studies show that this variant increases ligand-independent receptor phosphorylation as compared with the wild-type receptor, an effect that is compounded in the presence of double variants (Limaye N et al., PMID: 19079259, Nätynki M et al., PMID: 26319232; Wouters V et al., PMID: 19888299). Computational predictors indicate that the variant is damaging, evidence that correlates with impact on TEK function. Based on an internally-developed protocol informed by the ACMG/AMP guidelines (Richards S et al., PMID: 25741868), the TEK c.2690A>G (p.Tyr897Cys) variant is classified as pathogenic.

ARUP Laboratories, Molecular Genetics and Genomics, ARUP Laboratories
Classification: Pathogenic. Last evaluated: 2017-10-02. Review status: criteria provided, single submitter. Criteria: ARUP Molecular Germline Variant Investigation Process. Collection method: clinical testing. Allele origin: germline.
Comment: The p.Tyr897Cys variant has been previously reported in association with vascular malformations in 3 individuals from 3 generations (Wouters 2010). Another change of the same amino acid, Tyr897Ser has been identified in 6 individuals with vascular malformations from three generations (Calvert 1999). Furthermore, in vitro functional studies performed by Wouters et al. demonstrated that the p.Tyr897Cys change greatly increases ligand independent phosphorylation in a manner similar to other pathogenic variants. It is absent from general population databases such as 1000 Genomes, NHLBI GO Exome Sequencing Project (ESP), and the genome Aggregation Database (gnomAD) browser. Based on these observations the p.Tyr897Cys variant has been classified pathogenic.

OMIM
Classification: Pathogenic for VENOUS MALFORMATIONS, MULTIPLE CUTANEOUS AND MUCOSAL. Last evaluated: 2010-04-01. Review status: no assertion criteria provided. Collection method: literature only. Allele origin: germline. Not counted in ClinVar's aggregate classification.

MAGI's Lab - Research, MAGI Group
Classification: Pathogenic for Abnormal cardiovascular system morphology. Review status: no assertion criteria provided. Collection method: provider interpretation. Allele origin: somatic. Affected: yes. Not counted in ClinVar's aggregate classification.

Literature cited by the submitters: PubMed 19888299 (cited by OMIM).